The following is an entry in ClinVar:

ClinVar aggregate classification (germline): Uncertain significance (1 of 4 stars; one submission).

Conditions:
Global developmental delay with speech and behavioral abnormalities. Identifiers: MedGen C5543226, MONDO:0030995, OMIM 619243.

Submission:

Foundation for Research in Genetics and Endocrinology, FRIGE's Institute of Human Genetics
Classification: Uncertain significance for Global developmental delay with speech and behavioral abnormalities. Last evaluated: 2023-04-14. Review status: criteria provided, single submitter. Criteria: ACMG Guidelines, 2015. Collection method: clinical testing. Allele origin: germline. Inheritance: Autosomal dominant inheritance. Affected: yes. Observed: 1 heterozygote.
Comment: A heterozygous missense variant in exon 5 of the TNRC6B gene that results in the amino acid substitution of Cysteine for Glycine at codon 289 (p.Gly289Cys) was detected. This variant has not been reported in the 1000 genomes, gnomAD (v3.1), gnomdAD (v2.1) and topmed databases. The in silico predictions of the variant are possibly damaging by PolyPhen-2 (HumDiv), and damaging by SIFT. The reference codon is conserved across species. In summary, the variant meets our criteria to be classified as a variant of uncertain significance.

NM_001162501.2(TNRC6B):c.865G>T (p.Gly289Cys)

Gene: TNRC6B (trinucleotide repeat containing adaptor 6B; plus strand). Cytogenetic location: 22q13.1.
Variant type: single nucleotide variant.
Coding change: c.865G>T on transcript NM_001162501.2 (MANE Select); coding-DNA position 865, G replaced by T.
Protein change: p.Gly289Cys; replaces glycine 289 with cysteine.
Molecular consequence: missense variant. On other transcripts: intron variant (1).
Genome position (GRCh38, 1-based): chr22:40,265,095, G>T. VCF-style: chr22-40265095-G-T. GRCh37 (hg19) VCF-style: chr22-40661099-G-T.
Other names: p.Gly289Cys; c.865G>T, p.Gly289Cys (NM_015088.3); c.565+2922G>T (NM_001024843.2); short protein forms G289C.
Identifiers: ClinVar variation 2498322 (VCV002498322.2), dbSNP rs2517985199, ClinGen allele CA411628116.